The following is an entry in ClinVar:

ClinVar aggregate classification (germline): Uncertain significance (1 of 4 stars; one submission).

Conditions:
Cardiomyopathy (CMYO). Also called: Cardiomyopathies. Identifiers: Orphanet 167848, MedGen C0878544, MONDO:0004994, HP:0001638. Inheritance: Various modes of inheritance.

Submission:

Color Diagnostics, LLC DBA Color Health
Classification: Uncertain significance for Cardiomyopathy. Last evaluated: 2022-05-16. Review status: criteria provided, single submitter. Criteria: ACMG Guidelines, 2015. Collection method: clinical testing. Allele origin: germline.
Comment: This variant causes a G to C nucleotide substitution at the +3 position of intron 10 of the TMEM43 gene. To our knowledge, functional studies have not been reported for this variant. This variant has not been reported in individuals affected with cardiovascular disorders in the literature. This variant has not been identified in the general population by the Genome Aggregation Database (gnomAD). The available evidence is insufficient to determine the role of this variant in disease conclusively. Therefore, this variant is classified as a Variant of Uncertain Significance.

NM_024334.3(TMEM43):c.882+3G>C

Gene: TMEM43 (transmembrane protein 43; plus strand). Cytogenetic location: 3p25.1.
Variant type: single nucleotide variant.
Coding change: c.882+3G>C on transcript NM_024334.3 (MANE Select); 3 bases into the intron after coding-DNA position 882, G replaced by C.
Molecular consequence: intron variant.
Genome position (GRCh38, 1-based): chr3:14,135,911, G>C. VCF-style: chr3-14135911-G-C. GRCh37 (hg19) VCF-style: chr3-14177411-G-C.
Other names: c.885+3G>C (NM_001407274.1); c.882+3G>C (NM_001407276.1); c.879+3G>C (NM_001407275.1, NM_001407277.1); c.807+3G>C (NM_001407279.1); c.867+3G>C (NM_001407278.1); c.732+3G>C (NM_001407280.1).
Identifiers: ClinVar variation 2774609 (VCV002774609.2), dbSNP rs1057524625, ClinGen allele CA2697550707.